The following is an entry in ClinVar:

NM_004370.6(COL12A1):c.4801A>G (p.Lys1601Glu)

Gene: COL12A1 (collagen type XII alpha 1 chain; minus strand). Cytogenetic location: 6q13.
Variant type: single nucleotide variant.
Coding change: c.4801A>G on transcript NM_004370.6 (MANE Select); coding-DNA position 4801, A replaced by G.
Protein change: p.Lys1601Glu; replaces lysine 1601 with glutamic acid.
Molecular consequence: missense variant.
Genome position (GRCh38, 1-based): chr6:75,143,278, T>C on the plus strand (A>G on the coding strand, the complement: COL12A1 is on the minus strand). VCF-style: chr6-75143278-T-C. GRCh37 (hg19) VCF-style: chr6-75852994-T-C.
Other names: c.1309A>G, p.Lys437Glu (NM_080645.3); short protein forms K437E, K1601E.
Identifiers: ClinVar variation 1435567 (VCV001435567.8), dbSNP rs751657895, ClinGen allele CA3893346.

ClinVar aggregate classification (germline): Uncertain significance (1 of 4 stars; one submission).

Conditions:
Ullrich congenital muscular dystrophy 2 (UCMD2). Identifiers: Orphanet 75840, MedGen C4225314, MONDO:0014654, OMIM 616470.
Bethlem myopathy 2 (BTHLM2). Identifiers: Orphanet 536516, Orphanet 610, MedGen C4225313, MONDO:0034022, OMIM 616471.

Allele frequency attached by ClinVar (database versions not stated): gnomAD exomes below 0.00001; TOPMed below 0.00001; ExAC 0.00001; gnomAD 0.00001.
gnomAD v4.1: 3 of 1,613,898 alleles (0.00019%); highest among the groups gnomAD compares: African/African-American, 0.004%; no homozygotes.

Submission:

Labcorp Genetics (formerly Invitae), Labcorp
Classification: Uncertain significance for Bethlem myopathy 2; Ullrich congenital muscular dystrophy 2. Last evaluated: 2024-03-29. Review status: criteria provided, single submitter. Criteria: Invitae Variant Classification Sherloc (09022015). Collection method: clinical testing. Allele origin: germline.
Comment: This sequence change replaces lysine, which is basic and polar, with glutamic acid, which is acidic and polar, at codon 1601 of the COL12A1 protein (p.Lys1601Glu). This variant is not present in population databases (gnomAD no frequency). This variant has not been reported in the literature in individuals affected with COL12A1-related conditions. ClinVar contains an entry for this variant (Variation ID: 1435567). Advanced modeling of protein sequence and biophysical properties (such as structural, functional, and spatial information, amino acid conservation, physicochemical variation, residue mobility, and thermodynamic stability) performed at Invitae indicates that this missense variant is not expected to disrupt COL12A1 protein function with a negative predictive value of 80%. In summary, the available evidence is currently insufficient to determine the role of this variant in disease. Therefore, it has been classified as a Variant of Uncertain Significance.